The following is an entry in ClinVar:

NM_152641.4(ARID2):c.3689G>A (p.Cys1230Tyr)

Gene: ARID2 (AT-rich interaction domain 2; plus strand). Cytogenetic location: 12q12.
Variant type: single nucleotide variant.
Coding change: c.3689G>A on transcript NM_152641.4 (MANE Select); coding-DNA position 3689, G replaced by A.
Protein change: p.Cys1230Tyr; replaces cysteine 1230 with tyrosine.
Molecular consequence: missense variant.
Genome position (GRCh38, 1-based): chr12:45,851,812, G>A. VCF-style: chr12-45851812-G-A. GRCh37 (hg19) VCF-style: chr12-46245595-G-A.
Other names: c.3689G>A, p.Cys1230Tyr (NM_001347839.2); c.3689G>A (NM_152641.2); short protein forms C1230Y.
Identifiers: ClinVar variation 2642915 (VCV002642915.25), dbSNP rs369438191, ClinGen allele CA6526513.
Genomic context (GRCh38, chr12:45,851,812, plus strand): 5'-TTGGACTTCCAGTACAAACGCTTCCAGCCACTCAAGCATCTCCTGCTGGACAATCATCAT[G>A]TACTACTGCTACTCCCCCATTCAAAGGTGATAAAATAATTTGCCAAAAGGAGGAGGAAGC-3'
Protein context (NP_689854.2, residues 1220-1240): TQASPAGQSS[Cys1230Tyr]TTATPPFKGD

ClinVar aggregate classification (germline): Likely benign. Review status: criteria provided, multiple submitters, no conflicts (2 of 4 stars). 2 submissions from 2 submitters: Likely benign (2). Last evaluated 2023-12-13.

Conditions:
Inborn genetic diseases. Identifiers: MedGen C0950123, MeSH D030342.

Allele frequency attached by ClinVar (database versions not stated): ExAC 0.00002; gnomAD 0.00002; TOPMed 0.00002; gnomAD exomes 0.00003; ESP Exome Variant Server 0.00008.
gnomAD v4.1: 43 of 1,614,016 alleles (0.0027%); highest among the groups gnomAD compares: Non-Finnish European, 0.0036%; no homozygotes.

Submissions (2):

Ambry Genetics
Classification: Likely benign for Inborn genetic diseases. Last evaluated: 2023-12-13. Review status: criteria provided, single submitter. Criteria: Ambry Variant Classification Scheme 2023. Collection method: clinical testing. Allele origin: germline.

CeGaT Center for Human Genetics Tuebingen
Classification: Likely benign. Last evaluated: 2022-04-01. Review status: criteria provided, single submitter. Criteria: CeGaT Center For Human Genetics Tuebingen Variant Classification Criteria Version 2. Collection method: clinical testing. Allele origin: germline. Affected: yes. Observed: 1 variant allele.
Comment: ARID2: BP1